The following is an entry in ClinVar:

ClinVar aggregate classification (germline): Conflicting classifications of pathogenicity. Review status: criteria provided, conflicting classifications (1 of 4 stars). 2 submissions from 2 submitters: Uncertain significance (1); Likely benign (1). Last evaluated 2023-09-12.

Allele frequency attached by ClinVar (database versions not stated): TOPMed 0.00002; gnomAD 0.00004; gnomAD exomes 0.00009; ExAC 0.00024.

Submissions (2):

Blueprint Genetics
Classification: Likely benign. Last evaluated: 2023-09-12. Review status: criteria provided, single submitter. Criteria: ACMG Guidelines, 2015. Collection method: clinical testing. Allele origin: germline.

Labcorp Genetics (formerly Invitae), Labcorp
Classification: Uncertain significance. Last evaluated: 2022-05-20. Review status: criteria provided, single submitter. Criteria: Invitae Variant Classification Sherloc (09022015). Collection method: clinical testing. Allele origin: germline.
Comment: This sequence change replaces asparagine, which is neutral and polar, with serine, which is neutral and polar, at codon 188 of the RNF168 protein (p.Asn188Ser). This variant is present in population databases (rs755644645, gnomAD 0.2%). This variant has not been reported in the literature in individuals affected with RNF168-related conditions. Algorithms developed to predict the effect of missense changes on protein structure and function output the following: SIFT: "Tolerated"; PolyPhen-2: "Benign"; Align-GVGD: "Class C0". The serine amino acid residue is found in multiple mammalian species, which suggests that this missense change does not adversely affect protein function. Algorithms developed to predict the effect of sequence changes on RNA splicing suggest that this variant may create or strengthen a splice site. In summary, the available evidence is currently insufficient to determine the role of this variant in disease. Therefore, it has been classified as a Variant of Uncertain Significance.

NM_152617.4(RNF168):c.563A>G (p.Asn188Ser)

Gene: RNF168 (ring finger protein 168; minus strand). Cytogenetic location: 3q29.
Variant type: single nucleotide variant.
Coding change: c.563A>G on transcript NM_152617.4 (MANE Select); coding-DNA position 563, A replaced by G.
Protein change: p.Asn188Ser; replaces asparagine 188 with serine.
Molecular consequence: missense variant.
Genome position (GRCh38, 1-based): chr3:196,483,887, T>C on the plus strand (A>G on the coding strand, the complement: RNF168 is on the minus strand). VCF-style: chr3-196483887-T-C. GRCh37 (hg19) VCF-style: chr3-196210758-T-C.
Other names: short protein forms N188S.
Identifiers: ClinVar variation 2414182 (VCV002414182.4), dbSNP rs755644645, ClinGen allele CA2780884.